The following is an entry in ClinVar:

ClinVar aggregate classification (germline): Uncertain significance (1 of 4 stars; one submission).

Submission:

Labcorp Genetics (formerly Invitae), Labcorp
Classification: Uncertain significance. Last evaluated: 2024-07-19. Review status: criteria provided, single submitter. Criteria: Invitae Variant Classification Sherloc (09022015). Collection method: clinical testing. Allele origin: germline.
Comment: This sequence change replaces serine, which is neutral and polar, with asparagine, which is neutral and polar, at codon 246 of the POLD2 protein (p.Ser246Asn). This variant is not present in population databases (gnomAD no frequency). This variant has not been reported in the literature in individuals affected with POLD2-related conditions. Experimental studies and prediction algorithms are not available or were not evaluated, and the functional significance of this variant is currently unknown. In summary, the available evidence is currently insufficient to determine the role of this variant in disease. Therefore, it has been classified as a Variant of Uncertain Significance.

NM_006230.4(POLD2):c.632G>A (p.Ser211Asn)

Gene: POLD2 (DNA polymerase delta 2, accessory subunit; minus strand). Cytogenetic location: 7p13.
Variant type: single nucleotide variant.
Coding change: c.632G>A on transcript NM_006230.4 (MANE Select); coding-DNA position 632, G replaced by A.
Protein change: p.Ser211Asn; replaces serine 211 with asparagine.
Molecular consequence: missense variant.
Genome position (GRCh38, 1-based): chr7:44,116,965, C>T on the plus strand (G>A on the coding strand, the complement: POLD2 is on the minus strand). VCF-style: chr7-44116965-C-T. GRCh37 (hg19) VCF-style: chr7-44156564-C-T.
Other names: c.632G>A, p.Ser211Asn (NM_001127218.3, NM_001256879.2); short protein forms S211N.
Identifiers: ClinVar variation 3700068 (VCV003700068.2).